The following is an entry in ClinVar:

NM_002392.6(MDM2):c.1405A>T (p.Thr469Ser)

Gene: MDM2 (MDM2 proto-oncogene; plus strand). Cytogenetic location: 12q15.
Variant type: single nucleotide variant.
Coding change: c.1405A>T on transcript NM_002392.6 (MANE Select); coding-DNA position 1405, A replaced by T.
Protein change: p.Thr469Ser; replaces threonine 469 with serine.
Molecular consequence: missense variant.
Genome position (GRCh38, 1-based): chr12:68,839,760, A>T. VCF-style: chr12-68839760-A-T. GRCh37 (hg19) VCF-style: chr12-69233540-A-T.
Other names: c.1246A>T, p.Thr416Ser (NM_001145337.3); c.1240A>T, p.Thr414Ser (NM_001145339.2); c.799A>T, p.Thr267Ser (NM_001145340.3); c.877A>T, p.Thr293Ser (NM_001278462.2); c.1387A>T, p.Thr463Ser (NM_001367990.1); c.1405A>T (NM_002392.3); short protein forms T463S, T267S, T414S, T416S, T293S, T469S.
Identifiers: ClinVar variation 2721952 (VCV002721952.4), dbSNP rs756110138, ClinGen allele CA6678902.

ClinVar aggregate classification (germline): Uncertain significance. Review status: criteria provided, multiple submitters, no conflicts (2 of 4 stars). 2 submissions from 2 submitters: Uncertain significance (2). Last evaluated 2025-08-21.

Conditions:
Accelerated tumor formation, susceptibility to (ACTFS). Identifiers: MedGen C3280690, OMIM 614401, MONDO:0013733.

Allele frequency attached by ClinVar (database versions not stated): gnomAD exomes 0.00001; ExAC 0.00002; TOPMed 0.00003.
gnomAD v4.1: 7 of 1,614,156 alleles (0.00043%); highest among the groups gnomAD compares: Admixed American, 0.012%; no homozygotes.

Submissions (2):

Ambry Genetics
Classification: Uncertain significance. Last evaluated: 2025-08-21. Review status: criteria provided, single submitter. Criteria: Ambry Variant Classification Scheme 2023. Collection method: clinical testing. Allele origin: germline.

Labcorp Genetics (formerly Invitae), Labcorp
Classification: Uncertain significance for Accelerated tumor formation, susceptibility to. Last evaluated: 2023-06-05. Review status: criteria provided, single submitter. Criteria: Invitae Variant Classification Sherloc (09022015). Collection method: clinical testing. Allele origin: germline.
Comment: In summary, the available evidence is currently insufficient to determine the role of this variant in disease. Therefore, it has been classified as a Variant of Uncertain Significance. An algorithm developed to predict the effect of missense changes on protein structure and function (PolyPhen-2) suggests that this variant is likely to be disruptive. This variant has not been reported in the literature in individuals affected with MDM2-related conditions. This variant is present in population databases (rs756110138, gnomAD 0.02%). This sequence change replaces threonine, which is neutral and polar, with serine, which is neutral and polar, at codon 469 of the MDM2 protein (p.Thr469Ser).